The following is an entry in ClinVar:

NM_000179.3(MSH6):c.1971G>T (p.Gln657His)

Gene: MSH6 (mutS homolog 6; plus strand). Cytogenetic location: 2p16.3.
Variant type: single nucleotide variant.
Coding change: c.1971G>T on transcript NM_000179.3 (MANE Select); coding-DNA position 1971, G replaced by T.
Protein change: p.Gln657His; replaces glutamine 657 with histidine.
Molecular consequence: missense variant. On other transcripts: non-coding transcript variant (5), intron variant (2).
Genome position (GRCh38, 1-based): chr2:47,799,954, G>T. VCF-style: chr2-47799954-G-T. GRCh37 (hg19) VCF-style: chr2-48027093-G-T.
Other names: c.1674G>T, p.Gln558His (NM_001406827.1, NM_001406828.1, NM_001406830.1 and 10 more transcripts); c.1065G>T, p.Gln355His (NM_001406829.1, NM_001281493.2, NM_001281494.2 and 6 more transcripts); c.1606+365G>T (NM_001406817.1); c.628-712G>T (NM_001407362.1); c.1581G>T, p.Gln527His (NM_001281492.2); c.2067G>T, p.Gln689His (NM_001406795.1, NM_001406802.1); c.1971G>T, p.Gln657His (NM_001406796.1, NM_001406798.1, NM_001406800.1 and 3 more transcripts); c.1446G>T, p.Gln482His (NM_001406799.1, NM_001406806.1, NM_001406807.1); and 3 more; short protein forms Q482H, Q657H, Q601H, Q689H, Q355H, Q527H, Q558H, Q631H.
Identifiers: ClinVar variation 2837716 (VCV002837716.3), dbSNP rs1553413339, ClinGen allele CA346750605.

ClinVar aggregate classification (germline): Uncertain significance (1 of 4 stars; one submission).

Conditions:
Hereditary nonpolyposis colorectal neoplasms. Identifiers: MedGen C0009405, MeSH D003123.

Submission:

Labcorp Genetics (formerly Invitae), Labcorp
Classification: Uncertain significance for Hereditary nonpolyposis colorectal neoplasms. Last evaluated: 2023-02-16. Review status: criteria provided, single submitter. Criteria: Invitae Variant Classification Sherloc (09022015). Collection method: clinical testing. Allele origin: germline.
Comment: This sequence change replaces glutamine, which is neutral and polar, with histidine, which is basic and polar, at codon 657 of the MSH6 protein (p.Gln657His). This variant is not present in population databases (gnomAD no frequency). This variant has not been reported in the literature in individuals affected with MSH6-related conditions. Advanced modeling of protein sequence and biophysical properties (such as structural, functional, and spatial information, amino acid conservation, physicochemical variation, residue mobility, and thermodynamic stability) performed at Invitae indicates that this missense variant is not expected to disrupt MSH6 protein function. In summary, the available evidence is currently insufficient to determine the role of this variant in disease. Therefore, it has been classified as a Variant of Uncertain Significance.